The following is an entry in ClinVar:

ClinVar aggregate classification (germline): Uncertain significance. Review status: criteria provided, multiple submitters, no conflicts (2 of 4 stars). 2 submissions from 2 submitters: Uncertain significance (2). Last evaluated 2023-12-22.

Conditions:
Inborn genetic diseases. Identifiers: MedGen C0950123, MeSH D030342.
Hypomyelination and Congenital Cataract (HLD5). Also called: hypomyelinating leukodystrophy 5. Identifiers: Orphanet 85163, MedGen C1864663, MONDO:0012514, OMIM 610532.

Allele frequency attached by ClinVar (database versions not stated): gnomAD exomes below 0.00001; gnomAD 0.00005; TOPMed 0.00008.
gnomAD v4.1: 9 of 1,601,956 alleles (0.00056%); highest among the groups gnomAD compares: Admixed American, 0.015%; no homozygotes.

Submissions (2):

Ambry Genetics
Classification: Uncertain significance for Inborn genetic diseases. Last evaluated: 2023-12-22. Review status: criteria provided, single submitter. Criteria: Ambry Variant Classification Scheme 2023. Collection method: clinical testing. Allele origin: germline.

Labcorp Genetics (formerly Invitae), Labcorp
Classification: Uncertain significance for Hypomyelination and Congenital Cataract. Last evaluated: 2021-09-08. Review status: criteria provided, single submitter. Criteria: Invitae Variant Classification Sherloc (09022015). Collection method: clinical testing. Allele origin: germline.
Comment: This sequence change replaces proline with leucine at codon 25 of the FAM126A protein (p.Pro25Leu). The proline residue is moderately conserved and there is a moderate physicochemical difference between proline and leucine. This variant is not present in population databases (ExAC no frequency). This variant has not been reported in the literature in individuals affected with FAM126A-related conditions. Algorithms developed to predict the effect of missense changes on protein structure and function are either unavailable or do not agree on the potential impact of this missense change (SIFT: "Deleterious"; PolyPhen-2: "Benign"; Align-GVGD: "Class C0"). In summary, the available evidence is currently insufficient to determine the role of this variant in disease. Therefore, it has been classified as a Variant of Uncertain Significance.

NM_032581.4(HYCC1):c.74C>T (p.Pro25Leu)

Gene: HYCC1 (hyccin PI4KA lipid kinase complex subunit 1; minus strand). Cytogenetic location: 7p15.3.
Variant type: single nucleotide variant.
Coding change: c.74C>T on transcript NM_032581.4 (MANE Select); coding-DNA position 74, C replaced by T.
Protein change: p.Pro25Leu; replaces proline 25 with leucine.
Molecular consequence: missense variant.
Genome position (GRCh38, 1-based): chr7:22,984,023, G>A on the plus strand (C>T on the coding strand, the complement: HYCC1 is on the minus strand). VCF-style: chr7-22984023-G-A. GRCh37 (hg19) VCF-style: chr7-23023642-G-A.
Other names: c.74C>T, p.Pro25Leu (NM_001363466.2, NM_001363467.2); short protein forms P25L.
Identifiers: ClinVar variation 857030 (VCV000857030.7), dbSNP rs981766260, ClinGen allele CA155238320.